The following is an entry in ClinVar:

ClinVar aggregate classification (germline): Likely pathogenic (1 of 4 stars; one submission).

Conditions:
Otosclerosis 4. Also called: OTSC4. Identifiers: MedGen C1969046, MONDO:0012696, OMIM 611571.

Allele frequency attached by ClinVar (database versions not stated): ExAC 0.00005; gnomAD exomes 0.00006; gnomAD 0.00013; TOPMed 0.00013; 1000 Genomes Project 30x 0.00016; ESP Exome Variant Server 0.00016; 1000 Genomes Project 0.00020.

Submission:

Laboratory of Prof. Karen Avraham, Tel Aviv University
Classification: Likely pathogenic for Otosclerosis 4. Last evaluated: 2024-06-05. Review status: criteria provided, single submitter. Criteria: ACMG Guidelines, 2015. Collection method: research. Allele origin: germline. Affected: yes. Observed: 1 variant allele.
Comment: A novel deafness gene. The variant was detected in a large Jewish Yemenite kindred, segregating with otosclerosis in 13 affected family members in 4 generations

OTSC4; autosomal dominant; onset - 20-30 years, progressive with large variability of audiograms, including conductive or mixed, unilateral or bilateral HL

NM_052892.5(PKD1L2):c.6431C>G (p.Thr2144Ser)

Gene: PKD1L2 (polycystin 1 like 2 (gene/pseudogene); minus strand). Cytogenetic location: 16q23.2.
Variant type: single nucleotide variant.
Coding change: c.6431C>G on transcript NM_052892.5; coding-DNA position 6431, C replaced by G.
Protein change: p.Thr2144Ser; replaces threonine 2144 with serine.
Molecular consequence: missense variant. On other transcripts: non-coding transcript variant (1).
Genome position (GRCh38, 1-based): chr16:81,123,716, G>C on the plus strand (C>G on the coding strand, the complement: PKD1L2 is on the minus strand). VCF-style: chr16-81123716-G-C. GRCh37 (hg19) VCF-style: chr16-81157321-G-C.
Other names: c.4385C>G, p.Thr1462Ser (NM_001278425.3); short protein forms T1462S, T2144S.
Identifiers: ClinVar variation 3250395 (VCV003250395.1), dbSNP rs200839960.